The following is an entry in ClinVar:

ClinVar aggregate classification (germline): Uncertain significance (1 of 4 stars; one submission).

Conditions:
Malignant hyperthermia, susceptibility to, 1 (MHS1). Also called: Anesthesia related hyperthermia; Malignant hyperpyrexia; Fulminating hyperpyrexia; Pharmacogenic myopathy; RYR1-Related Malignant Hyperthermia Susceptibility; Malignant hyperthermia suceptibility 1. Identifiers: Orphanet 423, MedGen C2930980, MONDO:0007783, OMIM 145600.

Submission:

All of Us Research Program, National Institutes of Health
Classification: Uncertain significance for Malignant hyperthermia, susceptibility to, 1. Last evaluated: 2024-02-05. Review status: criteria provided, single submitter. Criteria: ACMG Guidelines, 2015. Collection method: clinical testing. Allele origin: germline. Inheritance: Autosomal dominant inheritance. Observed: 1 variant allele, 1 heterozygote.
Comment: This missense variant replaces serine with glycine at codon 3830 of the RYR1 protein. Computational prediction suggests that this variant may have deleterious impact on protein structure and function (internally defined REVEL score threshold >= 0.7, PMID: 27666373). To our knowledge, functional studies have not been reported for this variant. This variant has not been reported in individuals affected with RYR1-related disorders in the literature. This variant has not been identified in the general population by the Genome Aggregation Database (gnomAD). The available evidence is insufficient to determine the role of this variant in disease conclusively. Therefore, this variant is classified as a Variant of Uncertain Significance.

This study involves interpretation of variants in research participants for the purpose of population health screening. Participant phenotype was not available at the time of variant classification. Additional details can be found in publication PMID: 35346344, PMCID: PMC8962531

NM_000540.3(RYR1):c.11488A>G (p.Ser3830Gly)

Gene: RYR1 (ryanodine receptor 1; plus strand). Cytogenetic location: 19q13.2.
Variant type: single nucleotide variant.
Coding change: c.11488A>G on transcript NM_000540.3 (MANE Select); coding-DNA position 11488, A replaced by G.
Protein change: p.Ser3830Gly; replaces serine 3830 with glycine.
Molecular consequence: missense variant.
Genome position (GRCh38, 1-based): chr19:38,535,364, A>G. VCF-style: chr19-38535364-A-G. GRCh37 (hg19) VCF-style: chr19-39026004-A-G.
Other names: c.11473A>G, p.Ser3825Gly (NM_001042723.2); short protein forms S3825G, S3830G.
Identifiers: ClinVar variation 3075468 (VCV003075468.1), dbSNP rs1321488537, ClinGen allele CA405656037.
Genomic context (GRCh38, chr19:38,535,364, plus strand): 5'-CGCCCTCTGCAGAAAATGCTGGATTATCTTAAGGACAAGAAGGAAGTTGGCTTCTTCCAG[A>G]GTATCCAGGCACTGATGCAAACATGCAGGTAGGTTCGAGTGGACCTCTTCTTGTTAAGCT-3'
Protein context (NP_000531.2, residues 3820-3840): KDKKEVGFFQ[Ser3830Gly]IQALMQTCSV